The following is an entry in ClinVar:

ClinVar aggregate classification (germline): Uncertain significance (1 of 4 stars; one submission).

Conditions:
Megalencephalic leukoencephalopathy with subcortical cysts 2A. Identifiers: Orphanet 2478, MedGen C3151355, MONDO:0013490, OMIM 613925.

Submission:

Baylor Genetics
Classification: Uncertain significance for Megalencephalic leukoencephalopathy with subcortical cysts 2A. Last evaluated: 2020-05-16. Review status: criteria provided, single submitter. Criteria: ACMG Guidelines, 2015. Collection method: clinical testing. Allele origin: unknown. Affected: yes.
Comment: This variant was determined to be of uncertain significance according to ACMG Guidelines, 2015 [PMID:25741868].

NM_152722.5(HEPACAM):c.665C>T (p.Pro222Leu)

Gene: HEPACAM (hepatic and glial cell adhesion molecule; minus strand). Cytogenetic location: 11q24.2.
Variant type: single nucleotide variant.
Coding change: c.665C>T on transcript NM_152722.5 (MANE Select); coding-DNA position 665, C replaced by T.
Protein change: p.Pro222Leu; replaces proline 222 with leucine.
Molecular consequence: missense variant.
Genome position (GRCh38, 1-based): chr11:124,923,773, G>A on the plus strand (C>T on the coding strand, the complement: HEPACAM is on the minus strand). VCF-style: chr11-124923773-G-A. GRCh37 (hg19) VCF-style: chr11-124793669-G-A.
Other names: short protein forms P222L.
Identifiers: ClinVar variation 1031211 (VCV001031211.1), dbSNP rs1947170395, ClinGen allele CA383140643.